The following is an entry in ClinVar:

ClinVar aggregate classification (germline): Benign/Likely benign. Review status: criteria provided, multiple submitters, no conflicts (2 of 4 stars). 24 submissions from 17 submitters: Benign (18); Likely benign (3). 3 of the submissions do not count toward it. Last evaluated 2026-02-04.

Conditions:
Cardiovascular phenotype. Identifiers: MedGen CN230736.
Dilated cardiomyopathy 1G (CMD1G). Identifiers: Orphanet 154, MedGen C1858763, MONDO:0011400, OMIM 604145.
Autosomal recessive limb-girdle muscular dystrophy type 2J (LGMDR10). Also called: MUSCULAR DYSTROPHY, LIMB-GIRDLE, AUTOSOMAL RECESSIVE 10; Limb-girdle muscular dystrophy, type 2J. Identifiers: Orphanet 140922, MedGen C1837342, MONDO:0012127, OMIM 608807.
Early-onset myopathy with fatal cardiomyopathy (CMYO5). Also called: CONGENITAL MYOPATHY 5 WITH CARDIOMYOPATHY; Salih Myopathy. Identifiers: Orphanet 289377, MedGen C2673677, MONDO:0012714, OMIM 611705. Disease mechanism: loss of function.
Myopathy, myofibrillar, 9, with early respiratory failure (MFM9). Also called: Myopathy, distal, with early respiratory failure, autosomal dominant; Hereditary myopathy with early respiratory failure; MYOPATHY, PROXIMAL, WITH EARLY RESPIRATORY MUSCLE INVOLVEMENT; EDSTROM MYOPATHY. Identifiers: Orphanet 178464, Orphanet 34521, MedGen C1863599, MONDO:0011362, OMIM 603689.
Tibial muscular dystrophy (TMD). Also called: Udd Distal Myopathy – Tibial Muscular Dystrophy; Tibial muscular dystrophy, tardive; UDD MYOPATHY. Identifiers: Orphanet 609, MedGen C1838244, MONDO:0010870, OMIM 600334.

Allele frequency attached by ClinVar (database versions not stated): TOPMed 0.01988; ExAC 0.02912; 1000 Genomes Project 30x 0.02858; ESP Exome Variant Server 0.01587; gnomAD 0.02080 and 0.02142; gnomAD exomes 0.02896; 1000 Genomes Project 0.03055.
gnomAD v4.1: 38,106 of 1,612,854 alleles (2.4%); highest among the groups gnomAD compares: East Asian, 9.6%; 661 homozygotes.

Submissions (24):

Labcorp Genetics (formerly Invitae), Labcorp
Classification: Benign for Dilated cardiomyopathy 1G; Autosomal recessive limb-girdle muscular dystrophy type 2J. Last evaluated: 2026-02-04. Review status: criteria provided, single submitter. Criteria: Invitae Variant Classification Sherloc (09022015). Collection method: clinical testing. Allele origin: germline.

Molecular Diagnostic Laboratory for Inherited Cardiovascular Disease, Montreal Heart Institute
Classification: Benign. Last evaluated: 2025-04-09. Review status: criteria provided, single submitter. Criteria: ACMG Guidelines, 2015. Collection method: clinical testing. Allele origin: germline. Affected: no.

Genome-Nilou Lab
Classification: Benign for Autosomal recessive limb-girdle muscular dystrophy type 2J. Last evaluated: 2021-09-10. Review status: criteria provided, single submitter. Criteria: ACMG Guidelines, 2015. Collection method: clinical testing. Allele origin: germline. Affected: no.

Genome-Nilou Lab
Classification: Benign for Myopathy, myofibrillar, 9, with early respiratory failure. Last evaluated: 2021-09-10. Review status: criteria provided, single submitter. Criteria: ACMG Guidelines, 2015. Collection method: clinical testing. Allele origin: germline. Affected: no.

Genome-Nilou Lab
Classification: Benign for Early-onset myopathy with fatal cardiomyopathy. Last evaluated: 2021-09-10. Review status: criteria provided, single submitter. Criteria: ACMG Guidelines, 2015. Collection method: clinical testing. Allele origin: germline. Affected: no.

Genome-Nilou Lab
Classification: Benign for Tibial muscular dystrophy. Last evaluated: 2021-09-10. Review status: criteria provided, single submitter. Criteria: ACMG Guidelines, 2015. Collection method: clinical testing. Allele origin: germline. Affected: no.

Women's Health and Genetics/Laboratory Corporation of America, LabCorp
Classification: Likely benign. Last evaluated: 2020-01-11. Review status: criteria provided, single submitter. Criteria: LabCorp Variant Classification Summary - May 2015. Collection method: clinical testing. Allele origin: germline.

Athena Diagnostics
Classification: Benign. Last evaluated: 2019-01-16. Review status: criteria provided, single submitter. Criteria: Athena Diagnostics Criteria. Collection method: clinical testing. Allele origin: germline.

Illumina Laboratory Services, Illumina
Classification: Benign for Autosomal recessive limb-girdle muscular dystrophy type 2J. Last evaluated: 2018-01-13. Review status: criteria provided, single submitter. Criteria: ICSL Variant Classification Criteria 13 December 2019. Collection method: clinical testing. Allele origin: germline.
Comment: This variant was observed in the ICSL laboratory as part of a predisposition screen in an ostensibly healthy population. It had not been previously curated by ICSL or reported in the Human Gene Mutation Database (HGMD: prior to June 1st, 2018), and was therefore a candidate for classification through an automated scoring system. Utilizing variant allele frequency, disease prevalence and penetrance estimates, and inheritance mode, an automated score was calculated to assess if this variant is too frequent to cause the disease. Based on the score and internal cut-off values, a variant classified as benign is not then subjected to further curation. The score for this variant resulted in a classification of benign for this disease.

Illumina Laboratory Services, Illumina
Classification: Benign for Myopathy, myofibrillar, 9, with early respiratory failure. Last evaluated: 2018-01-13. Review status: criteria provided, single submitter. Criteria: ICSL Variant Classification Criteria 13 December 2019. Collection method: clinical testing. Allele origin: germline.
Comment: the same text as in the submission from Illumina Laboratory Services, Illumina above.

Illumina Laboratory Services, Illumina
Classification: Benign for Early-onset myopathy with fatal cardiomyopathy. Last evaluated: 2018-01-13. Review status: criteria provided, single submitter. Criteria: ICSL Variant Classification Criteria 13 December 2019. Collection method: clinical testing. Allele origin: germline.
Comment: the same text as in the submission from Illumina Laboratory Services, Illumina above.

Illumina Laboratory Services, Illumina
Classification: Likely benign for Dilated cardiomyopathy 1G. Last evaluated: 2018-01-13. Review status: criteria provided, single submitter. Criteria: ICSL Variant Classification Criteria 13 December 2019. Collection method: clinical testing. Allele origin: germline.
Comment: This variant was observed in the ICSL laboratory as part of a predisposition screen in an ostensibly healthy population. It had not been previously curated by ICSL or reported in the Human Gene Mutation Database (HGMD: prior to June 1st, 2018), and was therefore a candidate for classification through an automated scoring system. Utilizing variant allele frequency, disease prevalence and penetrance estimates, and inheritance mode, an automated score was calculated to assess if this variant is too frequent to cause the disease. Based on the score and internal cut-off values, a variant classified as likely benign is not then subjected to further curation. The score for this variant resulted in a classification of likely benign for this disease.

Illumina Laboratory Services, Illumina
Classification: Benign for Tibial muscular dystrophy. Last evaluated: 2018-01-13. Review status: criteria provided, single submitter. Criteria: ICSL Variant Classification Criteria 13 December 2019. Collection method: clinical testing. Allele origin: germline.
Comment: the same text as in the submission from Illumina Laboratory Services, Illumina above.

Mayo Clinic Laboratories, Mayo Clinic
Classification: Benign. Last evaluated: 2017-10-03. Review status: criteria provided, single submitter. Criteria: ACMG Guidelines, 2015. Collection method: clinical testing. Allele origin: germline. Observed: 98 variant alleles.

Genetic Services Laboratory, University of Chicago
Classification: Benign for AllHighlyPenetrant. Last evaluated: 2013-08-15. Review status: criteria provided, single submitter. Criteria: ACMG Guidelines, 2007. Collection method: clinical testing. Allele origin: germline.

Biesecker Lab/Clinical Genomics Section, National Institutes of Health
Classification: Benign. Last evaluated: 2013-06-24. Review status: criteria provided, single submitter. Criteria: Ng et al. (Circ Cardiovasc Genet. 2013). Collection method: research. Allele origin: unknown. Observed: 30 variant alleles. Study: ClinSeq.
Comment: The study set was not selected for affection status in relation to any cancer. Pathogenicity categories were based on literature curation. See Pubmed ID:23861362 for details.

Medical sequencing

GeneDx
Classification: Benign. Last evaluated: 2013-04-29. Review status: criteria provided, single submitter. Criteria: GeneDx Variant Classification (06012015). Collection method: clinical testing. Allele origin: germline. Affected: yes.
Comment: This variant is considered likely benign or benign based on one or more of the following criteria: it is a conservative change, it occurs at a poorly conserved position in the protein, it is predicted to be benign by multiple in silico algorithms, and/or has population frequency not consistent with disease.

Ambry Genetics
Classification: Benign for Cardiovascular phenotype. Last evaluated: 2013-02-04. Review status: criteria provided, single submitter. Criteria: Ambry Autosomal Dominant and X-Linked criteria (10/2015). Collection method: clinical testing. Allele origin: germline. Observed: 1 variant allele.

Laboratory for Molecular Medicine, Mass General Brigham Personalized Medicine
Classification: Benign. Last evaluated: 2012-04-24. Review status: criteria provided, single submitter. Criteria: LMM Criteria. Collection method: clinical testing. Allele origin: germline. Observed: 68 variant alleles.

Breakthrough Genomics
Classification: Likely benign. Review status: criteria provided, single submitter. Criteria: ACMG Guidelines, 2015. Collection method: not provided. Allele origin: germline. Inheritance: Autosomal recessive inheritance. Affected: yes.

PreventionGenetics, part of Exact Sciences
Classification: Benign. Review status: criteria provided, single submitter. Criteria: ACMG Guidelines, 2015. Collection method: clinical testing. Allele origin: germline.

Clinical Genetics DNA and cytogenetics Diagnostics Lab, Erasmus MC, Erasmus Medical Center
Classification: Benign. Review status: no assertion criteria provided. Collection method: clinical testing. Allele origin: germline. Affected: yes. Study: VKGL Data-share Consensus. Not counted in ClinVar's aggregate classification.

Clinical Genetics, Academic Medical Center
Classification: Benign. Review status: no assertion criteria provided. Collection method: clinical testing. Allele origin: germline. Affected: yes. Study: VKGL Data-share Consensus. Not counted in ClinVar's aggregate classification.

Laboratory of Diagnostic Genome Analysis, Leiden University Medical Center (LUMC)
Classification: Benign. Review status: no assertion criteria provided. Collection method: clinical testing. Allele origin: germline. Affected: yes. Study: VKGL Data-share Consensus. Not counted in ClinVar's aggregate classification.

NM_001267550.2(TTN):c.42071A>G (p.His14024Arg)

Gene: TTN (titin; minus strand). Cytogenetic location: 2q31.2.
Variant type: single nucleotide variant.
Coding change: c.42071A>G on transcript NM_001267550.2 (MANE Select); coding-DNA position 42071, A replaced by G.
Protein change: p.His14024Arg; replaces histidine 14024 with arginine.
Molecular consequence: missense variant.
Genome position (GRCh38, 1-based): chr2:178,634,803, T>C on the plus strand (A>G on the coding strand, the complement: TTN is on the minus strand). VCF-style: chr2-178634803-T-C. GRCh37 (hg19) VCF-style: chr2-179499530-T-C.
Other names: p.H11456R:CAC>CGC; c.37148A>G, p.His12383Arg (NM_001256850.1); c.14876A>G, p.His4959Arg (NM_003319.4); c.34367A>G, p.His11456Arg (NM_133378.4); c.15251A>G, p.His5084Arg (NM_133432.3); c.15452A>G, p.His5151Arg (NM_133437.4); short protein forms H14024R, H11456R, H12383R, H5151R, H4959R, H5084R.
Identifiers: ClinVar variation 46952 (VCV000046952.36), dbSNP rs2288563, ClinGen allele CA283209.